The following is an entry in ClinVar:

NM_014140.4(SMARCAL1):c.2099T>C (p.Leu700Pro)

Gene: SMARCAL1 (SNF2 related chromatin remodeling annealing helicase 1; plus strand). Cytogenetic location: 2q35.
Variant type: single nucleotide variant.
Coding change: c.2099T>C on transcript NM_014140.4 (MANE Select); coding-DNA position 2099, T replaced by C.
Protein change: p.Leu700Pro; replaces leucine 700 with proline.
Molecular consequence: missense variant.
Genome position (GRCh38, 1-based): chr2:216,464,625, T>C. VCF-style: chr2-216464625-T-C. GRCh37 (hg19) VCF-style: chr2-217329348-T-C.
Other names: c.2099T>C, p.Leu700Pro (NM_001127207.2); short protein forms L700P.
Identifiers: ClinVar variation 1941568 (VCV001941568.2), dbSNP rs1326865663, ClinGen allele CA350502692.
Genomic context (GRCh38, chr2:216,464,625, plus strand): 5'-GCACTTAACATTCTTAACTTATCTTTCAACAGAAACAGCAGCAGAAAGATGCCCTCATTC[T>C]CTTCTTCAACAGAACAGCTGAAGCTAAAATCCCATCTGTCATGTAAGTGGTCACTAAGTG-3'
Protein context (NP_054859.2, residues 690-710): TKQQQKDALI[Leu700Pro]FFNRTAEAKI

ClinVar aggregate classification (germline): Uncertain significance (1 of 4 stars; one submission).

Conditions:
Schimke immuno-osseous dysplasia (SIOD). Also called: Schimke Immunoosseous Dysplasia. Identifiers: Orphanet 1830, MedGen C0877024, MONDO:0009458, OMIM 242900.

Allele frequency attached by ClinVar (database versions not stated): gnomAD exomes below 0.00001.
gnomAD v4.1: 1 of 1,613,632 alleles (0.000062%); highest among the groups gnomAD compares: Admixed American, 0.0017%; no homozygotes.

Submission:

Labcorp Genetics (formerly Invitae), Labcorp
Classification: Uncertain significance for Schimke immuno-osseous dysplasia. Last evaluated: 2022-03-05. Review status: criteria provided, single submitter. Criteria: Invitae Variant Classification Sherloc (09022015). Collection method: clinical testing. Allele origin: germline.
Comment: This sequence change replaces leucine, which is neutral and non-polar, with proline, which is neutral and non-polar, at codon 700 of the SMARCAL1 protein (p.Leu700Pro). This variant is present in population databases (no rsID available, gnomAD 0.003%). This variant has not been reported in the literature in individuals affected with SMARCAL1-related conditions. Algorithms developed to predict the effect of missense changes on protein structure and function are either unavailable or do not agree on the potential impact of this missense change (SIFT: "Tolerated"; PolyPhen-2: "Probably Damaging"; Align-GVGD: "Class C0"). In summary, the available evidence is currently insufficient to determine the role of this variant in disease. Therefore, it has been classified as a Variant of Uncertain Significance.